The following is an entry in ClinVar:

NM_005026.5(PIK3CD):c.1005C>T (p.Ala335=)

Gene: PIK3CD (phosphatidylinositol-4,5-bisphosphate 3-kinase catalytic subunit delta; plus strand). Cytogenetic location: 1p36.22.
Variant type: single nucleotide variant.
Coding change: c.1005C>T on transcript NM_005026.5 (MANE Select); coding-DNA position 1005, C replaced by T.
Protein change: p.Ala335=; no amino-acid change (alanine 335 retained).
Molecular consequence: synonymous variant.
Genome position (GRCh38, 1-based): chr1:9,717,611, C>T. VCF-style: chr1-9717611-C-T. GRCh37 (hg19) VCF-style: chr1-9777669-C-T.
Other names: p.Ala335=; c.1005C>T (LRG_191t1); c.1005C>T, p.Ala335= (NM_001350234.2); c.918C>T, p.Ala306= (NM_001350235.1).
Identifiers: ClinVar variation 474022 (VCV000474022.22), dbSNP rs28730671, ClinGen allele CA577049.
Genomic context (GRCh38, chr1:9,717,611, plus strand): 5'-CCTGTGGTCCCTGGAGCAGCCGTTCCGCATCGAGCTCATCCAGGGCAGCAAAGTGAACGC[C>T]GACGAGCGGATGAAGGTGGGGCTCCTGGGATAGGTGGGAGAGACACTGTTTTTTTGCACA-3'
Protein context (NP_005017.3, residues 325-345): IELIQGSKVN[Ala335=]DERMKLVVQA

ClinVar aggregate classification (germline): Benign. Review status: criteria provided, multiple submitters, no conflicts (2 of 4 stars). 7 submissions from 7 submitters: Benign (6). 1 of the submissions does not count toward it. Last evaluated 2026-02-02.

Conditions:
Combined immunodeficiency with faciooculoskeletal anomalies. Also called: COMBINED IMMUNODEFICIENCY, FACIAL DYSMORPHISM, OPTIC NERVE ATROPHY, SKELETAL ANOMALIES, AND DEVELOPMENTAL DELAY; Roifman-Chitayat syndrome; Roifman-Chitayat syndrome, digenic. Identifiers: Orphanet 221139, MedGen C2750068, MONDO:0013226, OMIM 613328.
Immunodeficiency 14 (IMD14A). Also called: IMMUNODEFICIENCY 14A WITH LYMPHOPROLIFERATION, AUTOSOMAL DOMINANT; ACTIVATED PI3K-DELTA SYNDROME 1; p110-DELTA-ACTIVATING MUTATION CAUSING SENESCENT T CELLS, LYMPHADENOPATHY, AND IMMUNODEFICIENCY; Activated PI3K Delta Syndrome Type 1 (APDS1). Identifiers: Orphanet 397596, Orphanet 693661, MedGen C5907821, MONDO:0014222, OMIM 615513.
Immunodeficiency 14b, autosomal recessive. Identifiers: MedGen C5543301, MONDO:0023655, OMIM 619281.
PIK3CD-related disorder. Also called: PIK3CD-related condition.

Allele frequency attached by ClinVar (database versions not stated): 1000 Genomes Project 30x 0.00765; gnomAD 0.00483 and 0.00537; 1000 Genomes Project 0.00839; ESP Exome Variant Server 0.00015; TOPMed 0.00352; ExAC 0.00845; gnomAD exomes 0.00918.
gnomAD v4.1: 6,400 of 1,614,052 alleles (0.4%); highest among the groups gnomAD compares: East Asian, 4.7%; 126 homozygotes.

Submissions (7):

Labcorp Genetics (formerly Invitae), Labcorp
Classification: Benign for Activated PI3K-delta syndrome. Last evaluated: 2026-02-02. Review status: criteria provided, single submitter. Criteria: Invitae Variant Classification Sherloc (09022015). Collection method: clinical testing. Allele origin: germline.

Women's Health and Genetics/Laboratory Corporation of America, LabCorp
Classification: Benign. Last evaluated: 2026-01-23. Review status: criteria provided, single submitter. Criteria: LabCorp Variant Classification Summary - May 2015. Collection method: clinical testing. Allele origin: germline.

Fulgent Genetics
Classification: Benign for Combined immunodeficiency with faciooculoskeletal anomalies; Immunodeficiency 14; Immunodeficiency 14b, autosomal recessive. Last evaluated: 2022-01-28. Review status: criteria provided, single submitter. Criteria: ACMG Guidelines, 2015. Collection method: clinical testing. Allele origin: unknown.

Genetic Services Laboratory, University of Chicago
Classification: Benign. Last evaluated: 2021-03-24. Review status: criteria provided, single submitter. Criteria: ACMG Guidelines, 2015. Collection method: clinical testing. Allele origin: germline. Affected: no.

Mayo Clinic Laboratories, Mayo Clinic
Classification: Benign. Last evaluated: 2016-09-30. Review status: criteria provided, single submitter. Criteria: ACMG Guidelines, 2015. Collection method: clinical testing. Allele origin: germline. Observed: 6 variant alleles.

Breakthrough Genomics
Classification: Benign. Review status: criteria provided, single submitter. Criteria: ACMG Guidelines, 2015. Collection method: not provided. Allele origin: germline. Inheritance: Autosomal recessive inheritance. Affected: yes.

PreventionGenetics, part of Exact Sciences
Classification: Benign for PIK3CD-related condition. Last evaluated: 2019-03-22. Review status: no assertion criteria provided. Collection method: clinical testing. Allele origin: germline. Not counted in ClinVar's aggregate classification.
Comment: This variant is classified as benign based on ACMG/AMP sequence variant interpretation guidelines (Richards et al. 2015 PMID: 25741868, with internal and published modifications).